The following is an entry in ClinVar:

ClinVar aggregate classification (germline): Uncertain significance (1 of 4 stars; one submission).

Conditions:
Nephronophthisis-like nephropathy 1 (NPHPL1). Identifiers: Orphanet 655, MedGen C3150419, MONDO:0013163, OMIM 613159.

Allele frequency attached by ClinVar (database versions not stated): TOPMed below 0.00001; gnomAD exomes 0.00001.
gnomAD v4.1: 4 of 1,614,160 alleles (0.00025%); highest among the groups gnomAD compares: Admixed American, 0.0067%; no homozygotes.

Submission:

Labcorp Genetics (formerly Invitae), Labcorp
Classification: Uncertain significance for Nephronophthisis-like nephropathy 1. Last evaluated: 2025-03-31. Review status: criteria provided, single submitter. Criteria: Invitae Variant Classification Sherloc (09022015). Collection method: clinical testing. Allele origin: germline.
Comment: This sequence change replaces serine, which is neutral and polar, with proline, which is neutral and non-polar, at codon 484 of the XPNPEP3 protein (p.Ser484Pro). This variant is present in population databases (no rsID available, gnomAD 0.006%). This variant has not been reported in the literature in individuals affected with XPNPEP3-related conditions. ClinVar contains an entry for this variant (Variation ID: 2890978). Invitae Evidence Modeling of protein sequence and biophysical properties (such as structural, functional, and spatial information, amino acid conservation, physicochemical variation, residue mobility, and thermodynamic stability) indicates that this missense variant is not expected to disrupt XPNPEP3 protein function with a negative predictive value of 80%. In summary, the available evidence is currently insufficient to determine the role of this variant in disease. Therefore, it has been classified as a Variant of Uncertain Significance.

NM_022098.4(XPNPEP3):c.1450T>C (p.Ser484Pro)

Gene: XPNPEP3 (X-prolyl aminopeptidase 3; plus strand). Cytogenetic location: 22q13.2.
Variant type: single nucleotide variant.
Coding change: c.1450T>C on transcript NM_022098.4 (MANE Select); coding-DNA position 1450, T replaced by C.
Protein change: p.Ser484Pro; replaces serine 484 with proline.
Molecular consequence: missense variant.
Genome position (GRCh38, 1-based): chr22:40,926,361, T>C. VCF-style: chr22-40926361-T-C. GRCh37 (hg19) VCF-style: chr22-41322365-T-C.
Other names: short protein forms S484P.
Identifiers: ClinVar variation 2890978 (VCV002890978.3), dbSNP rs1218106109, ClinGen allele CA411976439.
Genomic context (GRCh38, chr22:40,926,361, plus strand): 5'-CCAGAGAAGTTTCGGGGTCTTGGTGTACGAATTGAGGATGATGTAGTGGTGACTCAGGAC[T>C]CACCTCTCATCCTTTCTGCAGACTGTCCCAAAGAGATGAATGACATTGAACAGATATGCA-3'
Protein context (NP_071381.1, residues 474-494): IEDDVVVTQD[Ser484Pro]PLILSADCPK